The following is an entry in ClinVar:

ClinVar aggregate classification (germline): Conflicting classifications of pathogenicity. Review status: criteria provided, conflicting classifications (1 of 4 stars). 3 submissions from 3 submitters: Uncertain significance (1); Likely benign (2). Last evaluated 2024-11-21.

Conditions:
Inborn genetic diseases. Identifiers: MedGen C0950123, MeSH D030342.

Allele frequency attached by ClinVar (database versions not stated): gnomAD 0.00013; 1000 Genomes Project 0.00020; TOPMed 0.00028; gnomAD exomes 0.00030 and 0.00063; 1000 Genomes Project 30x 0.00031; ExAC 0.00042.
gnomAD v4.1: 200 of 1,613,536 alleles (0.012%); highest among the groups gnomAD compares: Admixed American, 0.33%; no homozygotes.

Submissions (3):

Ambry Genetics
Classification: Likely benign for Inborn genetic diseases. Last evaluated: 2024-11-21. Review status: criteria provided, single submitter. Criteria: Ambry Variant Classification Scheme 2023. Collection method: clinical testing. Allele origin: germline.

GeneDx
Classification: Uncertain significance. Last evaluated: 2023-04-18. Review status: criteria provided, single submitter. Criteria: GeneDx Variant Classification Process June 2021. Collection method: clinical testing. Allele origin: germline. Affected: yes.
Comment: In silico analysis supports that this missense variant has a deleterious effect on protein structure/function; Has not been previously published as pathogenic or benign to our knowledge

Labcorp Genetics (formerly Invitae), Labcorp
Classification: Likely benign. Last evaluated: 2018-06-08. Review status: criteria provided, single submitter. Criteria: Invitae Variant Classification Sherloc (09022015). Collection method: clinical testing. Allele origin: germline.

NM_006390.4(IPO8):c.3047G>T (p.Gly1016Val)

Gene: IPO8 (importin 8; minus strand). Cytogenetic location: 12p11.21.
Variant type: single nucleotide variant.
Coding change: c.3047G>T on transcript NM_006390.4 (MANE Select); coding-DNA position 3047, G replaced by T.
Protein change: p.Gly1016Val; replaces glycine 1016 with valine.
Molecular consequence: missense variant.
Genome position (GRCh38, 1-based): chr12:30,630,927, C>A on the plus strand (G>T on the coding strand, the complement: IPO8 is on the minus strand). VCF-style: chr12-30630927-C-A. GRCh37 (hg19) VCF-style: chr12-30783861-C-A.
Other names: c.2432G>T, p.Gly811Val (NM_001190995.2); short protein forms G1016V, G811V.
Identifiers: ClinVar variation 712730 (VCV000712730.5), dbSNP rs201904393, ClinGen allele CA6498478.